The following is an entry in ClinVar:

NM_002693.3(POLG):c.1556G>A (p.Gly519Glu)

Gene: POLG (DNA polymerase gamma, catalytic subunit; minus strand). Cytogenetic location: 15q26.1.
Variant type: single nucleotide variant.
Coding change: c.1556G>A on transcript NM_002693.3 (MANE Select); coding-DNA position 1556, G replaced by A.
Protein change: p.Gly519Glu; replaces glycine 519 with glutamic acid.
Molecular consequence: missense variant.
Genome position (GRCh38, 1-based): chr15:89,326,941, C>T on the plus strand (G>A on the coding strand, the complement: POLG is on the minus strand). VCF-style: chr15-89326941-C-T. GRCh37 (hg19) VCF-style: chr15-89870172-C-T.
Other names: c.1556G>A, p.Gly519Glu (NM_001126131.2); short protein forms G519E.
Identifiers: ClinVar variation 3691116 (VCV003691116.2).
Genomic context (GRCh38, chr15:89,326,941, plus strand): 5'-CCCTACCCTACCTCCCACCCATGCTCCCCACCTTCCTGATCCATGGGATCACCAGGGGCC[C>T]CAGCCCCCTCGATGGGCAACTTGCTGGCTGTGGCTGGTTCCTTCTTCACCTTCTTAGCTT-3'
Protein context (NP_002684.1, residues 509-529): TASKLPIEGA[Gly519Glu]APGDPMDQED

ClinVar aggregate classification (germline): Uncertain significance (1 of 4 stars; one submission).

Conditions:
Progressive sclerosing poliodystrophy (MTDPS4A). Also called: ALPERS PROGRESSIVE INFANTILE POLIODYSTROPHY; NEURONAL DEGENERATION OF CHILDHOOD WITH LIVER DISEASE, PROGRESSIVE; Alpers Syndrome; ALPERS DIFFUSE DEGENERATION OF CEREBRAL GRAY MATTER WITH HEPATIC CIRRHOSIS; Alpers-Huttenlocher Syndrome; Mitochondrial DNA depletion syndrome 4A (Alpers type). Identifiers: Orphanet 726, MedGen C0205710, MONDO:0008758, OMIM 203700.

gnomAD v4.1: 3 of 1,614,202 alleles (0.00019%); no homozygotes.

Submission:

Labcorp Genetics (formerly Invitae), Labcorp
Classification: Uncertain significance for Progressive sclerosing poliodystrophy. Last evaluated: 2024-09-22. Review status: criteria provided, single submitter. Criteria: Invitae Variant Classification Sherloc (09022015). Collection method: clinical testing. Allele origin: germline.
Comment: This sequence change replaces glycine, which is neutral and non-polar, with glutamic acid, which is acidic and polar, at codon 519 of the POLG protein (p.Gly519Glu). This variant is not present in population databases (gnomAD no frequency). This variant has not been reported in the literature in individuals affected with POLG-related conditions. Invitae Evidence Modeling of protein sequence and biophysical properties (such as structural, functional, and spatial information, amino acid conservation, physicochemical variation, residue mobility, and thermodynamic stability) indicates that this missense variant is not expected to disrupt POLG protein function with a negative predictive value of 95%. In summary, the available evidence is currently insufficient to determine the role of this variant in disease. Therefore, it has been classified as a Variant of Uncertain Significance.